The following is an entry in ClinVar:

NM_000377.3(WAS):c.506-9T>G

Gene: WAS (WASP actin nucleation promoting factor; plus strand). Cytogenetic location: Xp11.23.
Variant type: single nucleotide variant.
Coding change: c.506-9T>G on transcript NM_000377.3 (MANE Select); 9 bases into the intron before coding-DNA position 506, T replaced by G.
Molecular consequence: intron variant.
Genome position (GRCh38, 1-based): chrX:48,686,072, T>G. VCF-style: chrX-48686072-T-G. GRCh37 (hg19) VCF-style: chrX-48544461-T-G.
Other names: c.506-9T>G (NM_001438879.1, NM_001438877.1, NM_001438878.1 and 1 more transcripts).
Identifiers: ClinVar variation 4785815 (VCV004785815.1).
Genomic context (GRCh38, chrX:48,686,072, plus strand): 5'-GTAATAAGGGGCTAGCCCAGGAACCTGTGGCAGGGCTGTGATAACTCTCTACACATTCCA[T>G]CTTCCCAGAGAGAAGAGGAGGGCTCCCACCCCTGCCCCTGCATCCAGGTGGAGACCAAGG-3'

ClinVar aggregate classification (germline): Uncertain significance (1 of 4 stars; one submission).

Conditions:
Thrombocytopenia 1. Also called: THROMBOCYTOPENIA, X-LINKED, 1; X-Linked Thrombocytopenia (XLT); X-linked thrombocytopenia with normal platelets. Identifiers: Orphanet 268322, Orphanet 852, MedGen C1839163, MONDO:0010743, OMIM 313900.
Wiskott-Aldrich syndrome (WAS). Also called: ALDRICH SYNDROME; IMMUNODEFICIENCY 2; WISKOTT-ALDRICH SYNDROME 1; Wiskott-aldrich syndrome, somatic. Identifiers: Orphanet 906, MedGen C0043194, MONDO:0010518, OMIM 301000.
X-linked severe congenital neutropenia (SCNX). Identifiers: Orphanet 86788, MedGen C1845987, MONDO:0010294, OMIM 300299.

Submission:

Labcorp Genetics (formerly Invitae), Labcorp
Classification: Uncertain significance for Wiskott-Aldrich syndrome; X-linked severe congenital neutropenia; Thrombocytopenia 1. Last evaluated: 2025-08-09. Review status: criteria provided, single submitter. Criteria: Invitae Variant Classification Sherloc (09022015). Collection method: clinical testing. Allele origin: germline.
Comment: This sequence change falls in intron 5 of the WAS gene. It does not directly change the encoded amino acid sequence of the WAS protein. This variant is not present in population databases (gnomAD no frequency). This variant has not been reported in the literature in individuals affected with WAS-related conditions. Algorithms developed to predict the effect of sequence changes on RNA splicing suggest that this variant may disrupt the consensus splice site. In summary, the available evidence is currently insufficient to determine the role of this variant in disease. Therefore, it has been classified as a Variant of Uncertain Significance.